The following is an entry in ClinVar:

NM_001352027.3(PHF21A):c.1227+1G>T

Gene: PHF21A (PHD finger protein 21A; minus strand). Cytogenetic location: 11p11.2.
Variant type: single nucleotide variant.
Coding change: c.1227+1G>T on transcript NM_001352027.3 (MANE Select); the canonical splice donor site of the intron after coding-DNA position 1227, G replaced by T.
Molecular consequence: splice donor variant.
Genome position (GRCh38, 1-based): chr11:45,949,401, C>A on the plus strand (G>T on the coding strand, the complement: PHF21A is on the minus strand). VCF-style: chr11-45949401-C-A. GRCh37 (hg19) VCF-style: chr11-45970952-C-A.
Other names: c.1224+1G>T (NM_001352030.3, NM_001101802.3, NM_001352031.3 and 1 more transcripts); c.1227+1G>T (NM_001352026.3, NM_016621.5, NM_001352025.3 and 2 more transcripts).
Identifiers: ClinVar variation 2752082 (VCV002752082.3), dbSNP rs2496660796, ClinGen allele CA380201051.

ClinVar aggregate classification (germline): Likely pathogenic (1 of 4 stars; one submission).

Submission:

Labcorp Genetics (formerly Invitae), Labcorp
Classification: Likely pathogenic. Last evaluated: 2024-08-05. Review status: criteria provided, single submitter. Criteria: Invitae Variant Classification Sherloc (09022015). Collection method: clinical testing. Allele origin: germline.
Comment: This sequence change affects a donor splice site in intron 12 of the PHF21A gene. It is expected to disrupt RNA splicing. Variants that disrupt the donor or acceptor splice site typically lead to a loss of protein function (PMID: 16199547), and loss-of-function variants in PHF21A are known to be pathogenic (PMID: 30487643). This variant is not present in population databases (gnomAD no frequency). This variant has not been reported in the literature in individuals affected with PHF21A-related conditions. Algorithms developed to predict the effect of sequence changes on RNA splicing suggest that this variant may disrupt the consensus splice site. In summary, the currently available evidence indicates that the variant is pathogenic, but additional data are needed to prove that conclusively. Therefore, this variant has been classified as Likely Pathogenic.

Literature cited by the submitters: PubMed 16199547; PubMed 30487643.